The following is an entry in ClinVar:

ClinVar aggregate classification (germline): Uncertain significance (1 of 4 stars; one submission).

Conditions:
Familial hemophagocytic lymphohistiocytosis 3 (FHL3). Also called: UNC13D-Related Familial Hemophagocytic Lymphohistiocytosis (UNC13D-fHLH). Identifiers: Orphanet 540, MedGen C1837174, MONDO:0012146, OMIM 608898.

Allele frequency attached by ClinVar (database versions not stated): gnomAD 0.00001; TOPMed 0.00005.
gnomAD v4.1: 7 of 1,613,172 alleles (0.00043%); highest among the groups gnomAD compares: Admixed American, 0.0067%; no homozygotes.

Submission:

Labcorp Genetics (formerly Invitae), Labcorp
Classification: Uncertain significance for Familial hemophagocytic lymphohistiocytosis 3. Last evaluated: 2021-12-03. Review status: criteria provided, single submitter. Criteria: Invitae Variant Classification Sherloc (09022015). Collection method: clinical testing. Allele origin: germline.
Comment: This sequence change replaces serine, which is neutral and polar, with leucine, which is neutral and non-polar, at codon 574 of the UNC13D protein (p.Ser574Leu). This variant is present in population databases (no rsID available, gnomAD 0.003%). This variant has not been reported in the literature in individuals affected with UNC13D-related conditions. Algorithms developed to predict the effect of missense changes on protein structure and function output the following: SIFT: "Not Available"; PolyPhen-2: "Benign"; Align-GVGD: "Not Available". The leucine amino acid residue is found in multiple mammalian species, which suggests that this missense change does not adversely affect protein function. In summary, the available evidence is currently insufficient to determine the role of this variant in disease. Therefore, it has been classified as a Variant of Uncertain Significance.

NM_199242.3(UNC13D):c.1721C>T (p.Ser574Leu)

Gene: UNC13D (unc-13 homolog D; minus strand). Cytogenetic location: 17q25.1.
Variant type: single nucleotide variant.
Coding change: c.1721C>T on transcript NM_199242.3 (MANE Select); coding-DNA position 1721, C replaced by T.
Protein change: p.Ser574Leu; replaces serine 574 with leucine.
Molecular consequence: missense variant.
Genome position (GRCh38, 1-based): chr17:75,835,653, G>A on the plus strand (C>T on the coding strand, the complement: UNC13D is on the minus strand). VCF-style: chr17-75835653-G-A. GRCh37 (hg19) VCF-style: chr17-73831734-G-A.
Other names: short protein forms S574L.
Identifiers: ClinVar variation 1513432 (VCV001513432.3), dbSNP rs981574088, ClinGen allele CA294086795.